The following is an entry in ClinVar:

NM_006225.4(PLCD1):c.1833dup (p.Asn612fs)

Gene: PLCD1 (phospholipase C delta 1; minus strand). Cytogenetic location: 3p22.2.
Variant type: Duplication.
Coding change: c.1833dup on transcript NM_006225.4 (MANE Select); coding-DNA position 1833, one base duplicated (C; older notation c.1833dupC).
Protein change: p.Asn612fs; shifts the reading frame from asparagine 612.
Molecular consequence: frameshift variant. On other transcripts: non-coding transcript variant (1).
Genome position (GRCh38, 1-based): chr3:38,008,527, G duplicated on the plus strand (C on the coding strand, the reverse complement: PLCD1 is on the minus strand); the first of 4 consecutive G bases (chr3:38,008,527-38,008,530); duplicating any one gives the same sequence. VCF-style (leftmost placement, unchanged base first): chr3-38008526-T-TG. GRCh37 (hg19) VCF-style: chr3-38050017-T-TG.
Other names: c.1896dup, p.Asn633fs (NM_001130964.2); short protein forms N612fs, N633fs.
Identifiers: ClinVar variation 4850385 (VCV004850385.1).

ClinVar aggregate classification (germline): Likely pathogenic (1 of 4 stars; one submission).

Conditions:
Nonsyndromic congenital nail disorder 3 (NDNC3). Also called: LEUKONYCHIA TOTALIS AND/OR PARTIALIS; Nail disorder, nonsyndromic congenital, 3, (leukonychia). Identifiers: MedGen C0544855, MONDO:0007900, OMIM 151600.

Submission:

First Genomix Gene Laboratory, Genetic Diagnostics Department
Classification: Likely pathogenic for Nonsyndromic congenital nail disorder 3. Last evaluated: 2025-09-19. Review status: criteria provided, single submitter. Criteria: ACMG Guidelines, 2015. Collection method: clinical testing. Allele origin: germline. Inheritance: Autosomal recessive inheritance. Affected: no. Observed: 1 variant allele.